The following is an entry in ClinVar:

ClinVar aggregate classification (germline): Likely benign (0 of 4 stars; one submission).

Conditions:
ACACB-related disorder. Also called: ACACB-related condition.

Allele frequency attached by ClinVar (database versions not stated): ExAC 0.00019; gnomAD 0.00023; TOPMed 0.00024; 1000 Genomes Project 30x 0.00047; 1000 Genomes Project 0.00060.
gnomAD v4.1: 239 of 1,614,022 alleles (0.015%); highest among the groups gnomAD compares: Middle Eastern, 0.2%; 1 homozygote.

Submission:

PreventionGenetics, part of Exact Sciences
Classification: Likely benign for ACACB-related condition. Last evaluated: 2024-09-18. Review status: no assertion criteria provided. Collection method: clinical testing. Allele origin: germline.
Comment: This variant is classified as likely benign based on ACMG/AMP sequence variant interpretation guidelines (Richards et al. 2015 PMID: 25741868, with internal and published modifications).

NM_001093.4(ACACB):c.3957C>T (p.Cys1319=)

Gene: ACACB (acetyl-CoA carboxylase beta; plus strand). Cytogenetic location: 12q24.11.
Variant type: single nucleotide variant.
Coding change: c.3957C>T on transcript NM_001093.4 (MANE Select); coding-DNA position 3957, C replaced by T.
Protein change: p.Cys1319=; no amino-acid change (cysteine 1319 retained).
Molecular consequence: synonymous variant.
Genome position (GRCh38, 1-based): chr12:109,227,445, C>T. VCF-style: chr12-109227445-C-T. GRCh37 (hg19) VCF-style: chr12-109665250-C-T.
Other names: c.3957C>T, p.Cys1319= (NM_001412734.1, NM_001412735.1); c.3351C>T, p.Cys1117= (NM_001412736.1, NM_001412739.1); c.3330C>T, p.Cys1110= (NM_001412737.1); c.3162C>T, p.Cys1054= (NM_001412738.1).
Identifiers: ClinVar variation 3058139 (VCV003058139.2), dbSNP rs200165207, ClinGen allele CA6774200.